The following is an entry in ClinVar:

ClinVar aggregate classification (germline): Uncertain significance (1 of 4 stars; one submission).

Conditions:
Familial adenomatous polyposis 1 (FAP1). Also called: FAMILIAL ADENOMATOUS POLYPOSIS 1, ATTENUATED; POLYPOSIS, ADENOMATOUS INTESTINAL. Identifiers: MedGen C2713442, MONDO:0021056, OMIM 175100. Disease mechanism: loss of function.

Submission:

Labcorp Genetics (formerly Invitae), Labcorp
Classification: Uncertain significance for Familial adenomatous polyposis 1. Last evaluated: 2020-10-03. Review status: criteria provided, single submitter. Criteria: Invitae Variant Classification Sherloc (09022015). Collection method: clinical testing. Allele origin: germline.
Comment: In summary, the available evidence is currently insufficient to determine the role of this variant in disease. Therefore, it has been classified as a Variant of Uncertain Significance. Experimental studies and prediction algorithms are not available or were not evaluated, and the functional significance of this variant is currently unknown. This variant has not been reported in the literature in individuals with APC-related conditions. The frequency data for this variant in the population databases is considered unreliable, as metrics indicate insufficient coverage at this position in the ExAC database. This variant occurs in a non-coding region of the APC gene. It does not change the encoded amino acid sequence of the APC protein.

NM_001127511.3(APC):c.120C>A (p.Ser40Arg)

Gene: APC (APC regulator of Wnt signaling pathway; plus strand). Cytogenetic location: 5q22.2.
Variant type: single nucleotide variant.
Coding change: c.120C>A on transcript NM_001127511.3; coding-DNA position 120, C replaced by A.
Protein change: p.Ser40Arg; replaces serine 40 with arginine.
Molecular consequence: missense variant. On other transcripts: 5 prime UTR variant (8), non-coding transcript variant (1), intron variant (5).
Genome position (GRCh38, 1-based): chr5:112,707,837, C>A. VCF-style: chr5-112707837-C-A. GRCh37 (hg19) VCF-style: chr5-112043534-C-A.
Other names: c.-64C>A (NM_001354895.2, NM_001407447.1, NM_001407452.1 and 3 more transcripts); c.120C>A, p.Ser40Arg (NM_001354897.2, NM_001354902.2, NM_001407446.1); c.-1099C>A (NM_001407470.1, NM_001407472.1); c.-19+188C>A (NM_001407448.1, NM_001407450.1, NM_001407457.1 and 1 more transcripts); c.-43+188C>A (NM_001407453.1); short protein forms S40R.
Identifiers: ClinVar variation 999340 (VCV000999340.7), dbSNP rs1750613117, ClinGen allele CA360612045.